The following is an entry in ClinVar:

NM_000179.3(MSH6):c.486_488del (p.Gly163del)

Gene: MSH6 (mutS homolog 6; plus strand). Cytogenetic location: 2p16.3.
Variant type: Deletion.
Coding change: c.486_488del on transcript NM_000179.3 (MANE Select); coding-DNA positions 486 to 488, 3 bases deleted (AGG; older notation c.486_488delAGG).
Protein change: p.Gly163del; deletes glycine 163.
Molecular consequence: inframe deletion. On other transcripts: intron variant (8), non-coding transcript variant (5), 5 prime UTR variant (5).
Genome position (GRCh38, 1-based): chr2:47,795,922-47,795,924, AGG deleted; deleting any 3 consecutive bases within chr2:47,795,920-47,795,924 gives the same sequence; the c. name uses the placement nearest the transcript's 3' end. VCF-style (leftmost placement, unchanged base first): chr2-47795919-GGGA-G. GRCh37 (hg19) VCF-style: chr2-48023058-GGGA-G.
Other names: c.-279-2689_-279-2687del (NM_001281493.2, NM_001406812.1, NM_001406816.1 and 4 more transcripts); c.238-2689_238-2687del (NM_001281492.2); c.189_191del, p.Gly64del (NM_001406828.1, NM_001406830.1, NM_001406797.1 and 10 more transcripts); c.486_488del, p.Gly163del (NM_001407362.1, NM_001406796.1, NM_001406798.1 and 5 more transcripts); c.-417_-415del (NM_001281494.2); c.582_584del, p.Gly195del (NM_001406795.1, NM_001406802.1); c.-40_-38del (NM_001406799.1, NM_001406806.1, NM_001406807.1); c.408_410del, p.Gly137del (NM_001406804.1); and 3 more; short protein forms G107del, G137del, G163del, G165del, G195del, G64del.
Identifiers: ClinVar variation 4860393 (VCV004860393.1).

ClinVar aggregate classification (germline): Uncertain significance (1 of 4 stars; one submission).

Conditions:
Hereditary cancer-predisposing syndrome. Also called: Neoplastic Syndromes, Hereditary; Tumor predisposition; Hereditary Cancer Syndrome; Hereditary neoplastic syndrome. Identifiers: Orphanet 140162, MedGen C0027672, MeSH D009386, MONDO:0015356.

Submission:

Ambry Genetics
Classification: Uncertain significance for Hereditary cancer-predisposing syndrome. Last evaluated: 2026-04-13. Review status: criteria provided, single submitter. Criteria: Ambry Variant Classification Scheme 2023. Collection method: clinical testing. Allele origin: germline.
Comment: The c.486_488delAGG variant (also known as p.G163del) is located in coding exon 3 of the MSH6 gene. This variant results from an in-frame AGG deletion at nucleotide positions 486 to 488. This results in the in-frame deletion of a glycine at codon 163. This amino acid position is highly conserved in available vertebrate species. In addition, the in silico prediction for this variant is inconclusive (Choi Y et al. PLoS ONE. 2012; 7(10):e46688). Based on the available evidence, the clinical significance of this variant remains unclear.